The following is an entry in ClinVar:

ClinVar aggregate classification (germline): Conflicting classifications of pathogenicity. Review status: criteria provided, conflicting classifications (1 of 4 stars). 11 submissions from 11 submitters: Uncertain significance (3); Benign (1); Likely benign (2). 5 of the submissions do not count toward it. Last evaluated 2026-09-01.

Conditions:
CEP41-related disorder. Also called: CEP41-related condition.
Familial Autism Spectrum Disorder.
Intellectual disability. Also called: Intellectual functioning disability; intellectual disabilities; Intellectual developmental disorder. Identifiers: MedGen C3714756, MeSH D008607, MONDO:0001071, HP:0001249.
Joubert syndrome 15 (JBTS15). Identifiers: Orphanet 475, MedGen C3280897, MONDO:0013763, OMIM 614464.

Allele frequency attached by ClinVar (database versions not stated): 1000 Genomes Project 30x 0.00109; 1000 Genomes Project 0.00140; TOPMed 0.00181; gnomAD 0.00214 and 0.00218; ESP Exome Variant Server 0.00246; ExAC 0.00258.
gnomAD v4.1: 5,136 of 1,608,600 alleles (0.32%); highest among the groups gnomAD compares: Non-Finnish European, 0.38%; 16 homozygotes.

Submissions (11):

CeGaT Center for Human Genetics Tuebingen
Classification: Likely benign. Last evaluated: 2026-09-01. Review status: criteria provided, single submitter. Criteria: CeGaT Center For Human Genetics Tuebingen Variant Classification Criteria Version 2. Collection method: clinical testing. Allele origin: germline. Affected: yes. Observed: 13 variant alleles.
Comment: CEP41: BS2

Labcorp Genetics (formerly Invitae), Labcorp
Classification: Benign for Joubert syndrome 15. Last evaluated: 2026-01-26. Review status: criteria provided, single submitter. Criteria: Invitae Variant Classification Sherloc (09022015). Collection method: clinical testing. Allele origin: germline.

Blueprint Genetics
Classification: Likely benign. Last evaluated: 2024-11-11. Review status: criteria provided, single submitter. Criteria: ACMG Guidelines, 2015. Collection method: clinical testing. Allele origin: germline.

GeneDx
Classification: Uncertain significance. Last evaluated: 2021-11-16. Review status: criteria provided, single submitter. Criteria: GeneDx Variant Classification Process June 2021. Collection method: clinical testing. Allele origin: germline. Affected: yes.
Comment: Reported previously as a heterozygous variant in multiple families with autism; however, these individuals were not reported to have any symptoms of JSRD, and a second CEP41 variant was not identified in any of these individuals (Korvatska et al., 2011); Published functional studies suggest a damaging effect (Patowary et al., 2019); In silico analysis supports that this missense variant has a deleterious effect on protein structure/function; This variant is associated with the following publications: (PMID: 30664616, 21438139)

Cambridge Genomics Laboratory, East Genomic Laboratory Hub, NHS Genomic Medicine Service
Classification: Uncertain significance for Intellectual disability. Last evaluated: 2019-04-17. Review status: criteria provided, single submitter. Criteria: ACGS Best Practice Guidelines for Variant Classification in Rare Disease 2020. Collection method: clinical testing. Allele origin: germline. Affected: yes. Observed: 1 variant allele.

Illumina Laboratory Services, Illumina
Classification: Uncertain significance for Joubert syndrome 15. Last evaluated: 2018-01-12. Review status: criteria provided, single submitter. Criteria: ICSL Variant Classification Criteria 13 December 2019. Collection method: clinical testing. Allele origin: germline.

PreventionGenetics, part of Exact Sciences
Classification: Likely benign for CEP41-related condition. Last evaluated: 2022-05-12. Review status: no assertion criteria provided. Collection method: clinical testing. Allele origin: germline. Not counted in ClinVar's aggregate classification.
Comment: This variant is classified as likely benign based on ACMG/AMP sequence variant interpretation guidelines (Richards et al. 2015 PMID: 25741868, with internal and published modifications).

Clinical Genetics DNA and cytogenetics Diagnostics Lab, Erasmus MC, Erasmus Medical Center
Classification: Likely benign. Review status: no assertion criteria provided. Collection method: clinical testing. Allele origin: germline. Affected: yes. Study: VKGL Data-share Consensus. Not counted in ClinVar's aggregate classification.

Clinical Genetics, Academic Medical Center
Classification: Benign. Review status: no assertion criteria provided. Collection method: clinical testing. Allele origin: germline. Affected: yes. Study: VKGL Data-share Consensus. Not counted in ClinVar's aggregate classification.

Genome Diagnostics Laboratory, University Medical Center Utrecht
Classification: Likely benign. Review status: no assertion criteria provided. Collection method: clinical testing. Allele origin: germline. Affected: yes. Study: VKGL Data-share Consensus. Not counted in ClinVar's aggregate classification.

University of Washington Center for Mendelian Genomics, University of Washington
Classification: Likely pathogenic for Familial Autism Spectrum Disorder. Review status: no assertion criteria provided. Collection method: research. Allele origin: inherited. Affected: yes. Not counted in ClinVar's aggregate classification.

Literature cited by the submitters: PubMed 30664616 (cited by University of Washington Center for Mendelian Genomics, University of Washington).

NM_018718.3(CEP41):c.616C>G (p.Pro206Ala)

Gene: CEP41 (centrosomal protein 41; minus strand). Cytogenetic location: 7q32.2.
Variant type: single nucleotide variant.
Coding change: c.616C>G on transcript NM_018718.3 (MANE Select); coding-DNA position 616, C replaced by G.
Protein change: p.Pro206Ala; replaces proline 206 with alanine.
Molecular consequence: missense variant. On other transcripts: non-coding transcript variant (1).
Genome position (GRCh38, 1-based): chr7:130,401,907, G>C on the plus strand (C>G on the coding strand, the complement: CEP41 is on the minus strand). VCF-style: chr7-130401907-G-C. GRCh37 (hg19) VCF-style: chr7-130041748-G-C.
Other names: c.616C>G, p.Pro206Ala (NM_001257158.2); c.568C>G, p.Pro190Ala (NM_001257159.2); short protein forms P206A, P190A.
Identifiers: ClinVar variation 358942 (VCV000358942.49), dbSNP rs143303575, ClinGen allele CA4485523.
Genomic context (GRCh38, chr7:130,401,907, plus strand): 5'-ACCACCCAATTCCTTAAAATGCAACAAAGGATACATATTCAAGAATATCATTTGAATAAG[G>C]GTTCATTGTTCTAGACAGAGTTGCAATTGGGTAACTGTAAGCTGCAAAGAGAAGAAAAAG-3'
Protein context (NP_061188.1, residues 196-216): PIATLSRTMN[Pro206Ala]YSNDILEYKN